The following is an entry in ClinVar:

NM_001142800.2(EYS):c.4397A>G (p.Gln1466Arg)

Gene: EYS (eyes shut homolog; minus strand). Cytogenetic location: 6q12.
Variant type: single nucleotide variant.
Coding change: c.4397A>G on transcript NM_001142800.2 (MANE Select); coding-DNA position 4397, A replaced by G.
Protein change: p.Gln1466Arg; replaces glutamine 1466 with arginine.
Molecular consequence: missense variant.
Genome position (GRCh38, 1-based): chr6:64,591,470, T>C on the plus strand (A>G on the coding strand, the complement: EYS is on the minus strand). VCF-style: chr6-64591470-T-C. GRCh37 (hg19) VCF-style: chr6-65301363-T-C.
Other names: c.4397A>G, p.Gln1466Arg (NM_001292009.2); c.4397A>G (NM_001142800.1); short protein forms Q1466R.
Identifiers: ClinVar variation 2153623 (VCV002153623.2), dbSNP rs2533153969, ClinGen allele CA364783420.
Genomic context (GRCh38, chr6:64,591,470, plus strand): 5'-AATCTCCAGTGCTCTCTTCTTGAAATTAAAGAATCAGCTGAATATTCTTCAATATCCTCT[T>C]GAGCCCCCCTAGAGACAACTGGAGTTGCACTTATGGAGGCAGCTATAAGCAGGAATCCAC-3'
Protein context (NP_001136272.1, residues 1456-1476): SATPVVSRGA[Gln1466Arg]EDIEEYSADS

ClinVar aggregate classification (germline): Uncertain significance. Review status: criteria provided, multiple submitters, no conflicts (2 of 4 stars). 2 submissions from 2 submitters: Uncertain significance (2). Last evaluated 2024-03-05.

Conditions:
Inborn genetic diseases. Identifiers: MedGen C0950123, MeSH D030342.

Allele frequency attached by ClinVar (database versions not stated): gnomAD exomes 0.00001.
gnomAD v4.1: 17 of 1,551,370 alleles (0.0011%); highest among the groups gnomAD compares: East Asian, 0.0024%; no homozygotes.

Submissions (2):

Ambry Genetics
Classification: Uncertain significance for Inborn genetic diseases. Last evaluated: 2024-03-05. Review status: criteria provided, single submitter. Criteria: Ambry Variant Classification Scheme 2023. Collection method: clinical testing. Allele origin: germline.

Labcorp Genetics (formerly Invitae), Labcorp
Classification: Uncertain significance. Last evaluated: 2022-07-20. Review status: criteria provided, single submitter. Criteria: Invitae Variant Classification Sherloc (09022015). Collection method: clinical testing. Allele origin: germline.
Comment: This sequence change replaces glutamine, which is neutral and polar, with arginine, which is basic and polar, at codon 1466 of the EYS protein (p.Gln1466Arg). This variant is not present in population databases (gnomAD no frequency). This variant has not been reported in the literature in individuals affected with EYS-related conditions. Algorithms developed to predict the effect of missense changes on protein structure and function are either unavailable or do not agree on the potential impact of this missense change (SIFT: "Tolerated"; PolyPhen-2: "Possibly Damaging"; Align-GVGD: "Class C0"). In summary, the available evidence is currently insufficient to determine the role of this variant in disease. Therefore, it has been classified as a Variant of Uncertain Significance.